The following is an entry in ClinVar:

ClinVar aggregate classification (germline): Pathogenic (1 of 4 stars; one submission).

Submission:

Labcorp Genetics (formerly Invitae), Labcorp
Classification: Pathogenic. Last evaluated: 2024-02-10. Review status: criteria provided, single submitter. Criteria: Invitae Variant Classification Sherloc (09022015). Collection method: clinical testing. Allele origin: germline.
Comment: This sequence change creates a premature translational stop signal (p.Gly2749Argfs*41) in the COL7A1 gene. It is expected to result in an absent or disrupted protein product. Loss-of-function variants in COL7A1 are known to be pathogenic (PMID: 16971478). This variant is not present in population databases (gnomAD no frequency). This premature translational stop signal has been observed in individual(s) with recessive dystrophic epidermolysis bullosa (PMID: 12813757). This variant is also known as c.8245insC. ClinVar contains an entry for this variant (Variation ID: 1068914). For these reasons, this variant has been classified as Pathogenic.

Literature cited by the submitters: PubMed 16971478; PubMed 12813757.

NM_000094.4(COL7A1):c.8244dup (p.Gly2749fs)

Gene: COL7A1 (collagen type VII alpha 1 chain; minus strand). Cytogenetic location: 3p21.31.
Variant type: Duplication.
Coding change: c.8244dup on transcript NM_000094.4 (MANE Select); coding-DNA position 8244, one base duplicated (C; older notation c.8244dupC).
Protein change: p.Gly2749fs; shifts the reading frame from glycine 2749.
Molecular consequence: frameshift variant.
Genome position (GRCh38, 1-based): chr3:48,566,720, G duplicated on the plus strand (C on the coding strand, the reverse complement: COL7A1 is on the minus strand); the first of 6 consecutive G bases (chr3:48,566,720-48,566,725); duplicating any one gives the same sequence. VCF-style (leftmost placement, unchanged base first): chr3-48566719-C-CG. GRCh37 (hg19) VCF-style: chr3-48604152-C-CG.
Other names: short protein forms G2749fs.
Identifiers: ClinVar variation 1068914 (VCV001068914.5), dbSNP rs2107632018, ClinGen allele CA2499216821.